The following is an entry in ClinVar:

NM_005477.3(HCN4):c.2419C>A (p.Arg807Ser)

Gene: HCN4 (hyperpolarization activated cyclic nucleotide gated potassium channel 4; minus strand). Cytogenetic location: 15q24.1.
Variant type: single nucleotide variant.
Coding change: c.2419C>A on transcript NM_005477.3 (MANE Select); coding-DNA position 2419, C replaced by A.
Protein change: p.Arg807Ser; replaces arginine 807 with serine.
Molecular consequence: missense variant.
Genome position (GRCh38, 1-based): chr15:73,323,674, G>T on the plus strand (C>A on the coding strand, the complement: HCN4 is on the minus strand). VCF-style: chr15-73323674-G-T. GRCh37 (hg19) VCF-style: chr15-73616015-G-T.
Other names: short protein forms R807S.
Identifiers: ClinVar variation 3636615 (VCV003636615.2).

ClinVar aggregate classification (germline): Uncertain significance (1 of 4 stars; one submission).

Conditions:
Brugada syndrome 8 (BRGDA8). Identifiers: Orphanet 130, MedGen C2751083, MONDO:0013148, OMIM 613123.

Submission:

Labcorp Genetics (formerly Invitae), Labcorp
Classification: Uncertain significance for Brugada syndrome 8. Last evaluated: 2024-05-28. Review status: criteria provided, single submitter. Criteria: Invitae Variant Classification Sherloc (09022015). Collection method: clinical testing. Allele origin: germline.
Comment: This sequence change replaces arginine, which is basic and polar, with serine, which is neutral and polar, at codon 807 of the HCN4 protein (p.Arg807Ser). This variant is not present in population databases (gnomAD no frequency). This variant has not been reported in the literature in individuals affected with HCN4-related conditions. Advanced modeling of protein sequence and biophysical properties (such as structural, functional, and spatial information, amino acid conservation, physicochemical variation, residue mobility, and thermodynamic stability) performed at Invitae indicates that this missense variant is not expected to disrupt HCN4 protein function with a negative predictive value of 95%. In summary, the available evidence is currently insufficient to determine the role of this variant in disease. Therefore, it has been classified as a Variant of Uncertain Significance.